The following is an entry in ClinVar:

NM_015474.4(SAMHD1):c.1503+1G>A

Gene: SAMHD1 (SAM and HD domain containing deoxynucleoside triphosphate triphosphohydrolase 1; minus strand). Cytogenetic location: 20q11.23.
Variant type: single nucleotide variant.
Coding change: c.1503+1G>A on transcript NM_015474.4 (MANE Select); the canonical splice donor site of the intron after coding-DNA position 1503, G replaced by A.
Molecular consequence: splice donor variant.
Genome position (GRCh38, 1-based): chr20:36,904,156, C>T on the plus strand (G>A on the coding strand, the complement: SAMHD1 is on the minus strand). VCF-style: chr20-36904156-C-T. GRCh37 (hg19) VCF-style: chr20-35532559-C-T.
Other names: c.1503+1G>A (NM_001363729.2, NM_001363733.2).
Identifiers: ClinVar variation 4531176 (VCV004531176.2).
Genomic context (GRCh38, chr20:36,904,156, plus strand): 5'-ATGGTGGGTGCTTTATCTTTAAAACGTATTCACTCAGTTTATTACTGGGCTAATTACTTA[C>T]ATCCACTATAAAATCTTCAGCCTTCAGTTTCACGTCTAGCAATACTTTGGGTTTAGCACT-3'

ClinVar aggregate classification (germline): Conflicting classifications of pathogenicity. Review status: criteria provided, conflicting classifications (1 of 4 stars). 2 submissions from 2 submitters: Likely pathogenic (1); Uncertain significance (1). Last evaluated 2025-11-18.

Conditions:
Prostate cancer susceptibility. Also called: PROSTATE CANCER, SUSCEPTIBILITY TO. Identifiers: MedGen C3469524.
Aicardi-Goutieres syndrome 5. Identifiers: Orphanet 51, MedGen C2749659, MONDO:0013059, OMIM 612952.

gnomAD v4.1: 5 of 1,597,140 alleles (0.00031%); highest among the groups gnomAD compares: Non-Finnish European, 0.00043%; no homozygotes.

Submissions (2):

Department of Clinical Genetics, Copenhagen University Hospital, Rigshospitalet
Classification: Likely pathogenic for Aicardi-Goutieres syndrome 5; Prostate cancer susceptibility. Last evaluated: 2025-11-18. Review status: criteria provided, single submitter. Criteria: ACMG Guidelines, 2015. Collection method: clinical testing. Allele origin: germline. Affected: yes.
Comment: The following ACMG criteria has been used:PVS1_Strong; PM2_SUP; PS1_SUP

Blueprint Genetics
Classification: Uncertain significance. Last evaluated: 2023-01-19. Review status: criteria provided, single submitter. Criteria: ACMG Guidelines, 2015. Collection method: clinical testing. Allele origin: germline.

Literature cited by the submitters: PubMed 20653736 (cited by Department of Clinical Genetics, Copenhagen University Hospital, Rigshospitalet).